The following is an entry in ClinVar:

NM_001297.5(CNGB1):c.344C>T (p.Pro115Leu)

Gene: CNGB1 (cyclic nucleotide gated channel subunit beta 1; minus strand). Cytogenetic location: 16q21.
Variant type: single nucleotide variant.
Coding change: c.344C>T on transcript NM_001297.5 (MANE Select); coding-DNA position 344, C replaced by T.
Protein change: p.Pro115Leu; replaces proline 115 with leucine.
Molecular consequence: missense variant.
Genome position (GRCh38, 1-based): chr16:57,963,011, G>A on the plus strand (C>T on the coding strand, the complement: CNGB1 is on the minus strand). VCF-style: chr16-57963011-G-A. GRCh37 (hg19) VCF-style: chr16-57996915-G-A.
Other names: c.344C>T (NM_001297.4); c.344C>T, p.Pro115Leu (NM_001135639.2, NM_001286130.2); short protein forms P115L.
Identifiers: ClinVar variation 1393459 (VCV001393459.6), dbSNP rs1464890085, ClinGen allele CA396079649.

ClinVar aggregate classification (germline): Uncertain significance. Review status: criteria provided, multiple submitters, no conflicts (2 of 4 stars). 2 submissions from 2 submitters: Uncertain significance (2). Last evaluated 2025-10-15.

Conditions:
Inborn genetic diseases. Identifiers: MedGen C0950123, MeSH D030342.

Allele frequency attached by ClinVar (database versions not stated): gnomAD exomes 0.00001; TOPMed 0.00001.
gnomAD v4.1: 19 of 1,613,430 alleles (0.0012%); highest among the groups gnomAD compares: Non-Finnish European, 0.0014%; no homozygotes.

Submissions (2):

Ambry Genetics
Classification: Uncertain significance for Inborn genetic diseases. Last evaluated: 2025-10-15. Review status: criteria provided, single submitter. Criteria: Ambry Variant Classification Scheme 2023. Collection method: clinical testing. Allele origin: germline.

Labcorp Genetics (formerly Invitae), Labcorp
Classification: Uncertain significance. Last evaluated: 2022-03-17. Review status: criteria provided, single submitter. Criteria: Invitae Variant Classification Sherloc (09022015). Collection method: clinical testing. Allele origin: germline.
Comment: This sequence change replaces proline, which is neutral and non-polar, with leucine, which is neutral and non-polar, at codon 115 of the CNGB1 protein (p.Pro115Leu). The frequency data for this variant in the population databases is considered unreliable, as metrics indicate poor data quality at this position in the gnomAD database. This variant has not been reported in the literature in individuals affected with CNGB1-related conditions. Algorithms developed to predict the effect of missense changes on protein structure and function are either unavailable or do not agree on the potential impact of this missense change (SIFT: "Deleterious"; PolyPhen-2: "Benign"; Align-GVGD: "Class C0"). In summary, the available evidence is currently insufficient to determine the role of this variant in disease. Therefore, it has been classified as a Variant of Uncertain Significance.